The following is an entry in ClinVar:

NM_001242896.3(DEPDC5):c.402T>A (p.Phe134Leu)

Gene: DEPDC5 (DEP domain containing 5, GATOR1 subcomplex subunit; plus strand). Cytogenetic location: 22q12.2.
Variant type: single nucleotide variant.
Coding change: c.402T>A on transcript NM_001242896.3 (MANE Select); coding-DNA position 402, T replaced by A.
Protein change: p.Phe134Leu; replaces phenylalanine 134 with leucine.
Molecular consequence: missense variant. On other transcripts: non-coding transcript variant (5).
Genome position (GRCh38, 1-based): chr22:31,768,852, T>A. VCF-style: chr22-31768852-T-A. GRCh37 (hg19) VCF-style: chr22-32164838-T-A.
Other names: c.402T>A, p.Phe134Leu (NM_001007188.4, NM_001136029.4, NM_001242897.2 and 7 more transcripts); c.318T>A, p.Phe106Leu (NM_001369901.1, NM_001369902.1); short protein forms F106L, F134L.
Identifiers: ClinVar variation 4797559 (VCV004797559.1).

ClinVar aggregate classification (germline): Uncertain significance (1 of 4 stars; one submission).

Conditions:
Familial focal epilepsy with variable foci (FPEVF). Identifiers: Orphanet 98820, MedGen C1858477, MONDO:0020310.

gnomAD v4.1: 16 of 1,613,944 alleles (0.00099%); highest among the groups gnomAD compares: Middle Eastern, 0.017%; no homozygotes.

Submission:

Labcorp Genetics (formerly Invitae), Labcorp
Classification: Uncertain significance for Familial focal epilepsy with variable foci. Last evaluated: 2026-01-27. Review status: criteria provided, single submitter. Criteria: Invitae Variant Classification Sherloc (09022015). Collection method: clinical testing. Allele origin: germline.
Comment: This sequence change replaces phenylalanine, which is neutral and non-polar, with leucine, which is neutral and non-polar, at codon 134 of the DEPDC5 protein (p.Phe134Leu). This variant is present in population databases (rs775219058, gnomAD 0.01%). This variant has not been reported in the literature in individuals affected with DEPDC5-related conditions. An algorithm developed to predict the effect of missense changes on protein structure and function outputs the following: PolyPhen-2: "Not Available". The leucine amino acid residue is found in multiple mammalian species, which suggests that this missense change does not adversely affect protein function. In summary, the available evidence is currently insufficient to determine the role of this variant in disease. Therefore, it has been classified as a Variant of Uncertain Significance.